The following is an entry in ClinVar:

NM_000436.4(OXCT1):c.64dup (p.Ala22fs)

Genes: OXCT1 (3-oxoacid CoA-transferase 1; minus strand), OXCT1-AS1 (OXCT1 antisense RNA 1; plus strand). Cytogenetic location: 5p13.1.
Variant type: Duplication.
Coding change: c.64dup on transcript NM_000436.4 (MANE Select); coding-DNA position 64, one base duplicated (G; older notation c.64dupG).
Protein change: p.Ala22fs; shifts the reading frame from alanine 22.
Molecular consequence: frameshift variant. On other transcripts: non-coding transcript variant (2), 5 prime UTR variant (1).
Genome position (GRCh38, 1-based): chr5:41,870,295, C duplicated on the plus strand (G on the coding strand, the reverse complement: OXCT1 is on the minus strand); the first of 4 consecutive C bases (chr5:41,870,295-41,870,298); duplicating any one gives the same sequence. VCF-style (leftmost placement, unchanged base first): chr5-41870294-G-GC. GRCh37 (hg19) VCF-style: chr5-41870396-G-GC.
Other names: c.64dup, p.Ala22fs (NM_001364299.2, NM_001364301.2, NM_001364302.2); c.-552dup (NM_001364300.2); short protein forms A22fs.
Identifiers: ClinVar variation 5040185 (VCV005040185.1).

ClinVar aggregate classification (germline): Pathogenic (1 of 4 stars; one submission).

Submission:

CeGaT Center for Human Genetics Tuebingen
Classification: Pathogenic. Last evaluated: 2026-09-01. Review status: criteria provided, single submitter. Criteria: CeGaT Center For Human Genetics Tuebingen Variant Classification Criteria Version 2. Collection method: clinical testing. Allele origin: germline. Affected: yes. Observed: 2 variant alleles.
Comment: OXCT1: PVS1, PM2